The following is an entry in ClinVar:

NM_133433.4(NIPBL):c.5465A>G (p.Asp1822Gly)

Gene: NIPBL (NIPBL cohesin loading factor; plus strand). Cytogenetic location: 5p13.2.
Variant type: single nucleotide variant.
Coding change: c.5465A>G on transcript NM_133433.4 (MANE Select); coding-DNA position 5465, A replaced by G.
Protein change: p.Asp1822Gly; replaces aspartic acid 1822 with glycine.
Molecular consequence: missense variant.
Genome position (GRCh38, 1-based): chr5:37,022,281, A>G. VCF-style: chr5-37022281-A-G. GRCh37 (hg19) VCF-style: chr5-37022383-A-G.
Other names: c.5465A>G, p.Asp1822Gly (NM_015384.5); short protein forms D1822G.
Identifiers: ClinVar variation 159152 (VCV000159152.8), dbSNP rs587783977, ClinGen allele CA272155.

ClinVar aggregate classification (germline): Likely pathogenic. Review status: criteria provided, multiple submitters, no conflicts (2 of 4 stars). 3 submissions from 3 submitters: Likely pathogenic (2). 1 of the submissions does not count toward it. Last evaluated 2024-06-19.

Conditions:
Cornelia de Lange syndrome 1 (CDLS1). Also called: Brachmann de Lange syndrome; NIPBL-Related Cornelia de Lange Syndrome; TYPUS DEGENERATIVUS AMSTELODAMENSIS. Identifiers: Orphanet 199, MedGen C4551851, MONDO:0007387, OMIM 122470.

Submissions (3):

GeneDx
Classification: Likely pathogenic. Last evaluated: 2024-06-19. Review status: criteria provided, single submitter. Criteria: GeneDx Variant Classification Process June 2021. Collection method: clinical testing. Allele origin: germline. Affected: yes.
Comment: Not observed at significant frequency in large population cohorts (gnomAD); In silico analysis supports that this missense variant has a deleterious effect on protein structure/function; This variant is associated with the following publications: (PMID: 38284454)

Genetic Services Laboratory, University of Chicago
Classification: Likely pathogenic for Cornelia de Lange syndrome 1. Last evaluated: 2013-02-08. Review status: criteria provided, single submitter. Criteria: ACMG Guidelines, 2007. Collection method: clinical testing. Allele origin: germline. Inheritance: Autosomal dominant inheritance. Affected: yes.

Division of Human Genetics, National Health Laboratory Service/University of the Witwatersrand
Classification: Likely pathogenic for Cornelia de Lange syndrome 1. Review status: no assertion criteria provided. Collection method: research. Allele origin: unknown. Affected: yes. Observed: 1 variant allele. Not counted in ClinVar's aggregate classification.